The following is an entry in ClinVar:

NM_006618.5(KDM5B):c.2265C>G (p.Tyr755Ter)

Gene: KDM5B (lysine demethylase 5B; minus strand). Cytogenetic location: 1q32.1.
Variant type: single nucleotide variant.
Coding change: c.2265C>G on transcript NM_006618.5 (MANE Select); coding-DNA position 2265, C replaced by G.
Protein change: p.Tyr755Ter; replaces tyrosine 755 with a stop codon.
Molecular consequence: nonsense.
Genome position (GRCh38, 1-based): chr1:202,745,916, G>C on the plus strand (C>G on the coding strand, the complement: KDM5B is on the minus strand). VCF-style: chr1-202745916-G-C. GRCh37 (hg19) VCF-style: chr1-202715044-G-C.
Other names: c.2265C>G (NM_006618.3); c.2373C>G, p.Tyr791Ter (NM_001314042.2); c.2130C>G, p.Tyr710Ter (NM_001347591.2); c.2250C>G, p.Tyr750Ter (NM_001399817.1); short protein forms Y710*, Y750*, Y755*, Y791*.
Identifiers: ClinVar variation 2576173 (VCV002576173.3), dbSNP rs746837045, ClinGen allele CA344266135.
Genomic context (GRCh38, chr1:202,745,916, plus strand): 5'-ACTTTTCTTCTTGTTGATCTTTGCCTCCAAAGCTTCATTCACATTCAAGGCCCATTCGTT[G>C]TAAGATTCTGCTCGAAGCTTCAATGCATTCATCATAGGGTAGAGATCATCCAGCGTGTAC-3'

ClinVar aggregate classification (germline): Pathogenic/Likely pathogenic. Review status: criteria provided, multiple submitters, no conflicts (2 of 4 stars). 3 submissions from 3 submitters: Pathogenic (2); Likely pathogenic (1). Last evaluated 2024-09-23.

Conditions:
Intellectual developmental disorder, autosomal recessive 65. Also called: Intellectual disability, autosomal recessive 65; MENTAL RETARDATION, AUTOSOMAL RECESSIVE 65. Identifiers: MedGen C4748219, MONDO:0020850, OMIM 618109.

gnomAD v4.1: 5 of 1,613,930 alleles (0.00031%); highest among the groups gnomAD compares: Non-Finnish European, 0.00042%; no homozygotes.

Submissions (3):

GeneDx
Classification: Pathogenic. Last evaluated: 2024-09-23. Review status: criteria provided, single submitter. Criteria: GeneDx Variant Classification Process June 2021. Collection method: clinical testing. Allele origin: germline. Affected: yes.
Comment: De novo variant with confirmed parentage in a patient in published literature from a cohort of individuals with developmental disorders; however, detailed clinical information was not provided, and the patient harbored additional de novo variants (PMID: 33057194); Nonsense variant predicted to result in protein truncation or nonsense mediated decay in a gene for which loss of function is a known mechanism of disease; Not observed at significant frequency in large population cohorts (gnomAD); This variant is associated with the following publications: (PMID: 31981491, 35982159, 33057194)

ARUP Laboratories, Molecular Genetics and Genomics, ARUP Laboratories
Classification: Likely pathogenic for Intellectual developmental disorder, autosomal recessive 65. Last evaluated: 2023-11-01. Review status: criteria provided, single submitter. Criteria: ARUP Molecular Germline Variant Investigation Process 2024. Collection method: clinical testing. Allele origin: germline.
Comment: The KDM5B c.2265C>G; p.Tyr755Ter variant (rs746837045), to our knowledge, is not reported in the medical literature or gene specific databases. This variant is absent from the Genome Aggregation Database (v2.1.1), indicating it is not a common polymorphism. This variant induces an early termination codon and is predicted to result in a truncated protein or mRNA subject to nonsense-mediated decay. Another variant leading to the same premature termination codon (c.2265C>A; p.Tyr755Ter) has been reported de novo in a patient with autism, although other potentially causative variants were found in the same individual (Al-Mubarak 2017). Based on available information, the c.2265C>G variant is considered to be likely pathogenic. References: Al-Mubarak B et al. Whole exome sequencing reveals inherited and de novo variants in autism spectrum disorder: a trio study from Saudi families. Sci Rep. 2017 Jul 18;7(1):5679. PMID: 28720891.

Institute for Clinical Genetics, University Hospital TU Dresden, University Hospital TU Dresden
Classification: Pathogenic. Last evaluated: 2021-10-27. Review status: criteria provided, single submitter. Criteria: ACMG Guidelines, 2015. Collection method: clinical testing. Allele origin: de novo.
Comment: PVS1, PM2_SUP